The following is an entry in ClinVar:

NM_000230.3(LEP):c.376G>C (p.Glu126Gln)

Gene: LEP (leptin; plus strand). Cytogenetic location: 7q32.1.
Variant type: single nucleotide variant.
Coding change: c.376G>C on transcript NM_000230.3 (MANE Select); coding-DNA position 376, G replaced by C.
Protein change: p.Glu126Gln; replaces glutamic acid 126 with glutamine.
Molecular consequence: missense variant.
Genome position (GRCh38, 1-based): chr7:128,254,635, G>C. VCF-style: chr7-128254635-G-C. GRCh37 (hg19) VCF-style: chr7-127894688-G-C.
Other names: short protein forms E126Q.
Identifiers: ClinVar variation 3345315 (VCV003345315.1).

ClinVar aggregate classification (germline): Uncertain significance (0 of 4 stars; one submission).

Conditions:
LEP-related disorder. Also called: LEP-related condition.

gnomAD v4.1: 7 of 1,614,152 alleles (0.00043%); highest among the groups gnomAD compares: South Asian, 0.0022%; no homozygotes.

Submission:

PreventionGenetics, part of Exact Sciences
Classification: Uncertain significance for LEP-related condition. Last evaluated: 2024-05-14. Review status: no assertion criteria provided. Collection method: clinical testing. Allele origin: germline.
Comment: The LEP c.376G>C variant is predicted to result in the amino acid substitution p.Glu126Gln. To our knowledge, this variant has not been reported in the literature. This variant is reported in 0.0033% of alleles in individuals of South Asian descent in gnomAD. At this time, the clinical significance of this variant is uncertain due to the absence of conclusive functional and genetic evidence.